The following is an entry in ClinVar:

NM_005629.4(SLC6A8):c.296T>C (p.Leu99Pro)

Gene: SLC6A8 (solute carrier family 6 member 8; plus strand). Cytogenetic location: Xq28.
Variant type: single nucleotide variant.
Coding change: c.296T>C on transcript NM_005629.4 (MANE Select); coding-DNA position 296, T replaced by C.
Protein change: p.Leu99Pro; replaces leucine 99 with proline.
Molecular consequence: missense variant. On other transcripts: 5 prime UTR variant (1).
Genome position (GRCh38, 1-based): chrX:153,690,408, T>C. VCF-style: chrX-153690408-T-C. GRCh37 (hg19) VCF-style: chrX-152955863-T-C.
Other names: c.296T>C, p.Leu99Pro (NM_001142805.2); c.-50T>C (NM_001142806.1); short protein forms L99P.
Identifiers: ClinVar variation 4882309 (VCV004882309.2).
Genomic context (GRCh38, chrX:153,690,408, plus strand): 5'-GAGTCCACGCTGTGCCTCCACCCCCAGGTGTGTTCCTTATTCCCTACGTCCTGATCGCCC[T>C]GGTTGGAGGAATCCCCATTTTCTTCTTAGAGATCTCGCTGGGCCAGTTCATGAAGGCCGG-3'
Protein context (NP_005620.1, residues 89-109): VFLIPYVLIA[Leu99Pro]VGGIPIFFLE

ClinVar aggregate classification (germline): Uncertain significance (1 of 4 stars; one submission).

Submission:

Dasa
Classification: Uncertain significance. Last evaluated: 2025-02-01. Review status: criteria provided, single submitter. Criteria: DASA Assertion Criteria. Collection method: clinical testing. Allele origin: germline.
Comment: NM_005629.4(SLC6A8):c.296T>C (p.Leu99Pro) is a missense variant that results in the substitution of leucine with proline. This variant is absent from population databases. The currently available literature and clinical evidence are not sufficient to establish a definitive association between this variant and the reported condition. Therefore, this variant is classified as a variant of uncertain significance.